The following is an entry in ClinVar:

NM_004393.6(DAG1):c.1756T>C (p.Ser586Pro)

Gene: DAG1 (dystroglycan 1; plus strand). Cytogenetic location: 3p21.31.
Variant type: single nucleotide variant.
Coding change: c.1756T>C on transcript NM_004393.6 (MANE Select); coding-DNA position 1756, T replaced by C.
Protein change: p.Ser586Pro; replaces serine 586 with proline.
Molecular consequence: missense variant.
Genome position (GRCh38, 1-based): chr3:49,532,267, T>C. VCF-style: chr3-49532267-T-C. GRCh37 (hg19) VCF-style: chr3-49569700-T-C.
Other names: c.1756T>C, p.Ser586Pro (NM_001165928.4, NM_001177634.3, NM_001177635.3 and 9 more transcripts); short protein forms S586P.
Identifiers: ClinVar variation 1418909 (VCV001418909.7), dbSNP rs772951856, ClinGen allele CA2399138.
Genomic context (GRCh38, chr3:49,532,267, plus strand): 5'-GACAGCAGCCACGTGGGCAAACACGAGTATTTCATGCATGCCACAGACAAGGGGGGCCTG[T>C]CGGCTGTGGATGCCTTCGAGATCCACGTCCACAGGCGCCCCCAAGGGGATAGGGCTCCTG-3'
Protein context (NP_004384.5, residues 576-596): FMHATDKGGL[Ser586Pro]AVDAFEIHVH

ClinVar aggregate classification (germline): Uncertain significance. Review status: criteria provided, multiple submitters, no conflicts (2 of 4 stars). 2 submissions from 2 submitters: Uncertain significance (2). Last evaluated 2023-03-01.

Conditions:
Muscular dystrophy-dystroglycanopathy (congenital with brain and eye anomalies), type A9. Also called: Muscular dystrophy-dystroglycanopathy (congenital with brain and eye anomalies), type a, 9; WALKER-WARBURG SYNDROME OR MUSCLE-EYE BRAIN DISEASE, DAG1-RELATED. Identifiers: Orphanet 370997, Orphanet 899, MedGen C4225291, MONDO:0014683, OMIM 616538.
Autosomal recessive limb-girdle muscular dystrophy type 2P. Also called: MUSCULAR DYSTROPHY, LIMB-GIRDLE, TYPE 2P; Limb-Girdle Muscular Dystrophy Type 9C; MUSCULAR DYSTROPHY-DYSTROGLYCANOPATHY, LIMB-GIRDLE, DAG1-RELATED. Identifiers: Orphanet 280333, MedGen C4511963, MONDO:0013440, OMIM 613818.

Allele frequency attached by ClinVar (database versions not stated): gnomAD exomes 0.00001; ExAC 0.00002.
gnomAD v4.1: 3 of 1,613,988 alleles (0.00019%); highest among the groups gnomAD compares: Admixed American, 0.005%; no homozygotes.

Submissions (2):

Revvity Omics, Revvity
Classification: Uncertain significance. Last evaluated: 2023-03-01. Review status: criteria provided, single submitter. Criteria: ACMG Guidelines, 2015. Collection method: clinical testing. Allele origin: germline.

Labcorp Genetics (formerly Invitae), Labcorp
Classification: Uncertain significance for Autosomal recessive limb-girdle muscular dystrophy type 2P; Muscular dystrophy-dystroglycanopathy (congenital with brain and eye anomalies), type A9. Last evaluated: 2022-10-25. Review status: criteria provided, single submitter. Criteria: Invitae Variant Classification Sherloc (09022015). Collection method: clinical testing. Allele origin: germline.
Comment: This sequence change replaces serine, which is neutral and polar, with proline, which is neutral and non-polar, at codon 586 of the DAG1 protein (p.Ser586Pro). This variant is present in population databases (rs772951856, gnomAD 0.009%). This variant has not been reported in the literature in individuals affected with DAG1-related conditions. ClinVar contains an entry for this variant (Variation ID: 1418909). Advanced modeling of protein sequence and biophysical properties (such as structural, functional, and spatial information, amino acid conservation, physicochemical variation, residue mobility, and thermodynamic stability) performed at Invitae indicates that this missense variant is not expected to disrupt DAG1 protein function. In summary, the available evidence is currently insufficient to determine the role of this variant in disease. Therefore, it has been classified as a Variant of Uncertain Significance.